The following is an entry in ClinVar:

ClinVar aggregate classification (germline): Conflicting classifications of pathogenicity. Review status: criteria provided, conflicting classifications (1 of 4 stars). 4 submissions from 4 submitters: Uncertain significance (2); Likely benign (2). Last evaluated 2025-12-03.

Conditions:
Adams-Oliver syndrome 5 (AOS5). Identifiers: Orphanet 974, MedGen C4014970, MONDO:0014459, OMIM 616028.
Familial thoracic aortic aneurysm and aortic dissection (TAAD). Also called: Thoracic aortic aneurysms and dissections. Identifiers: Orphanet 91387, MedGen C4707243, MONDO:0019625.

Allele frequency attached by ClinVar (database versions not stated): gnomAD exomes 0.00002 and 0.00006; TOPMed 0.00003; gnomAD 0.00004; ExAC 0.00008.
gnomAD v4.1: 45 of 1,592,166 alleles (0.0028%); highest among the groups gnomAD compares: Non-Finnish European, 0.00043%; no homozygotes.

Submissions (4):

Labcorp Genetics (formerly Invitae), Labcorp
Classification: Likely benign for Adams-Oliver syndrome 5. Last evaluated: 2025-12-03. Review status: criteria provided, single submitter. Criteria: Invitae Variant Classification Sherloc (09022015). Collection method: clinical testing. Allele origin: germline.

CeGaT Center for Human Genetics Tuebingen
Classification: Likely benign. Last evaluated: 2024-02-01. Review status: criteria provided, single submitter. Criteria: CeGaT Center For Human Genetics Tuebingen Variant Classification Criteria Version 2. Collection method: clinical testing. Allele origin: germline. Affected: yes. Observed: 1 variant allele.
Comment: NOTCH1: BP4, BS2

Ambry Genetics
Classification: Uncertain significance for Familial thoracic aortic aneurysm and aortic dissection. Last evaluated: 2023-07-27. Review status: criteria provided, single submitter. Criteria: Ambry Variant Classification Scheme 2023. Collection method: clinical testing. Allele origin: germline.
Comment: The p.P2462L variant (also known as c.7385C>T), located in coding exon 34 of the NOTCH1 gene, results from a C to T substitution at nucleotide position 7385. The proline at codon 2462 is replaced by leucine, an amino acid with similar properties. This amino acid position is conserved. In addition, this alteration is predicted to be tolerated by in silico analysis. Since supporting evidence is limited at this time, the clinical significance of this alteration remains unclear.

GeneDx
Classification: Uncertain significance. Last evaluated: 2021-09-29. Review status: criteria provided, single submitter. Criteria: GeneDx Variant Classification Process June 2021. Collection method: clinical testing. Allele origin: germline. Affected: yes.
Comment: Has not been previously published as pathogenic or benign to our knowledge; In silico analysis supports that this missense variant does not alter protein structure/function

NM_017617.5(NOTCH1):c.7385C>T (p.Pro2462Leu)

Gene: NOTCH1 (notch receptor 1; minus strand). Cytogenetic location: 9q34.3.
Variant type: single nucleotide variant.
Coding change: c.7385C>T on transcript NM_017617.5 (MANE Select); coding-DNA position 7385, C replaced by T.
Protein change: p.Pro2462Leu; replaces proline 2462 with leucine.
Molecular consequence: missense variant.
Genome position (GRCh38, 1-based): chr9:136,496,354, G>A on the plus strand (C>T on the coding strand, the complement: NOTCH1 is on the minus strand). VCF-style: chr9-136496354-G-A. GRCh37 (hg19) VCF-style: chr9-139390806-G-A.
Other names: short protein forms P2462L.
Identifiers: ClinVar variation 1300584 (VCV001300584.31), dbSNP rs767435492, ClinGen allele CA5339683.